The following is an entry in ClinVar:

ClinVar aggregate classification (germline): Uncertain significance. Review status: criteria provided, single submitter (1 of 4 stars). 2 submissions from 2 submitters: Uncertain significance (1). 1 of the submissions does not count toward it. Last evaluated 2022-01-03.

Conditions:
Intellectual disability. Also called: intellectual disabilities; Intellectual developmental disorder; Intellectual functioning disability. Identifiers: MedGen C3714756, MeSH D008607, MONDO:0001071, HP:0001249.

Allele frequency attached by ClinVar (database versions not stated): gnomAD 0.00003 and 0.00004; gnomAD exomes 0.00003 and 0.00008; TOPMed 0.00003; ExAC 0.00017.
gnomAD v4.1: 52 of 1,613,052 alleles (0.0032%); highest among the groups gnomAD compares: Non-Finnish European, 0.0033%; no homozygotes.

Submissions (2):

Labcorp Genetics (formerly Invitae), Labcorp
Classification: Uncertain significance. Last evaluated: 2022-01-03. Review status: criteria provided, single submitter. Criteria: Invitae Variant Classification Sherloc (09022015). Collection method: clinical testing. Allele origin: germline.
Comment: This sequence change replaces glycine, which is neutral and non-polar, with alanine, which is neutral and non-polar, at codon 738 of the LRP2 protein (p.Gly738Ala). This variant is present in population databases (rs762447103, gnomAD 0.02%). This variant has not been reported in the literature in individuals affected with LRP2-related conditions. ClinVar contains an entry for this variant (Variation ID: 975593). Advanced modeling of protein sequence and biophysical properties (such as structural, functional, and spatial information, amino acid conservation, physicochemical variation, residue mobility, and thermodynamic stability) performed at Invitae indicates that this missense variant is not expected to disrupt LRP2 protein function. In summary, the available evidence is currently insufficient to determine the role of this variant in disease. Therefore, it has been classified as a Variant of Uncertain Significance.

Centre de Biologie Pathologie Génétique, Centre Hospitalier Universitaire de Lille
Classification: Likely benign for Intellectual disability. Last evaluated: 2019-01-01. Review status: no assertion criteria provided. Collection method: clinical testing. Allele origin: inherited. Affected: yes. Not counted in ClinVar's aggregate classification.

NM_004525.3(LRP2):c.2213G>C (p.Gly738Ala)

Gene: LRP2 (LDL receptor related protein 2; minus strand). Cytogenetic location: 2q31.1.
Variant type: single nucleotide variant.
Coding change: c.2213G>C on transcript NM_004525.3 (MANE Select); coding-DNA position 2213, G replaced by C.
Protein change: p.Gly738Ala; replaces glycine 738 with alanine.
Molecular consequence: missense variant.
Genome position (GRCh38, 1-based): chr2:169,271,011, C>G on the plus strand (G>C on the coding strand, the complement: LRP2 is on the minus strand). VCF-style: chr2-169271011-C-G. GRCh37 (hg19) VCF-style: chr2-170127521-C-G.
Other names: short protein forms G738A.
Identifiers: ClinVar variation 975593 (VCV000975593.3), dbSNP rs762447103, ClinGen allele CA1955352.
Genomic context (GRCh38, chr2:169,271,011, plus strand): 5'-GAAAAAAAGATAGTGCTGTCCTGGGCGTCAAAATCAATCCCGACAAAGAAAGAAGGATTC[C>G]CCGAAACTGGAACCATGACATCTTCCTGGGTAGACAAGGTGAACGGGATCCCACGAATAG-3'
Protein context (NP_004516.2, residues 728-748): TQEDVMVPVS[Gly738Ala]NPSFFVGIDF